The following is an entry in ClinVar:

ClinVar aggregate classification (germline): Conflicting classifications of pathogenicity. Review status: criteria provided, conflicting classifications (1 of 4 stars). 3 submissions from 3 submitters: Uncertain significance (1); Benign (1); Likely benign (1). Last evaluated 2025-09-09.

Conditions:
Inborn genetic diseases. Identifiers: MedGen C0950123, MeSH D030342.
Kabuki syndrome. Also called: NIIKAWA-KUROKI SYNDROME; Kabuki make-up syndrome. Identifiers: Orphanet 2322, MedGen C0796004, MONDO:0016512.
KMT2D-related disorder. Also called: KMT2D-Related Disorders.

Allele frequency attached by ClinVar (database versions not stated): gnomAD exomes 0.00001; TOPMed 0.00001.
gnomAD v4.1: 4 of 1,613,140 alleles (0.00025%); highest among the groups gnomAD compares: Non-Finnish European, 0.00025%; no homozygotes.

Submissions (3):

PreventionGenetics, part of Exact Sciences
Classification: Uncertain significance for KMT2D-related condition. Last evaluated: 2025-09-09. Review status: criteria provided, single submitter. Criteria: ACMG Guidelines, 2015. Collection method: clinical testing. Allele origin: germline.
Comment: The KMT2D c.13454C>G variant is predicted to result in the amino acid substitution p.Ala4485Gly. To our knowledge, this variant has not been reported in the literature. This variant is reported in 0.0018% of alleles in individuals of European (Non-Finnish) descent in gnomAD. At this time, the clinical significance of this variant is uncertain due to the absence of conclusive functional and genetic evidence.

Ambry Genetics
Classification: Likely benign for Inborn genetic diseases. Last evaluated: 2025-08-06. Review status: criteria provided, single submitter. Criteria: Ambry Variant Classification Scheme 2023. Collection method: clinical testing. Allele origin: germline.

Labcorp Genetics (formerly Invitae), Labcorp
Classification: Benign for Kabuki syndrome. Last evaluated: 2024-01-18. Review status: criteria provided, single submitter. Criteria: Invitae Variant Classification Sherloc (09022015). Collection method: clinical testing. Allele origin: germline.

NM_003482.4(KMT2D):c.13454C>G (p.Ala4485Gly)

Gene: KMT2D (lysine methyltransferase 2D; minus strand). Cytogenetic location: 12q13.12.
Variant type: single nucleotide variant.
Coding change: c.13454C>G on transcript NM_003482.4 (MANE Select); coding-DNA position 13454, C replaced by G.
Protein change: p.Ala4485Gly; replaces alanine 4485 with glycine.
Molecular consequence: missense variant.
Genome position (GRCh38, 1-based): chr12:49,031,251, G>C on the plus strand (C>G on the coding strand, the complement: KMT2D is on the minus strand). VCF-style: chr12-49031251-G-C. GRCh37 (hg19) VCF-style: chr12-49425034-G-C.
Other names: short protein forms A4485G.
Identifiers: ClinVar variation 2739711 (VCV002739711.5), dbSNP rs980315263, ClinGen allele CA236638451.